The following is an entry in ClinVar:

NM_000466.3(PEX1):c.920A>C (p.His307Pro)

Gene: PEX1 (peroxisomal biogenesis factor 1; minus strand). Cytogenetic location: 7q21.2.
Variant type: single nucleotide variant.
Coding change: c.920A>C on transcript NM_000466.3 (MANE Select); coding-DNA position 920, A replaced by C.
Protein change: p.His307Pro; replaces histidine 307 with proline.
Molecular consequence: missense variant.
Genome position (GRCh38, 1-based): chr7:92,517,595, T>G on the plus strand (A>C on the coding strand, the complement: PEX1 is on the minus strand). VCF-style: chr7-92517595-T-G. GRCh37 (hg19) VCF-style: chr7-92146909-T-G.
Other names: c.920A>C, p.His307Pro (NM_001282677.2); c.296A>C, p.His99Pro (NM_001282678.2); short protein forms H99P, H307P.
Identifiers: ClinVar variation 1979990 (VCV001979990.2), dbSNP rs563671482, ClinGen allele CA4341519.

ClinVar aggregate classification (germline): Uncertain significance. Review status: criteria provided, multiple submitters, no conflicts (2 of 4 stars). 2 submissions from 2 submitters: Uncertain significance (2). Last evaluated 2025-03-19.

Conditions:
Zellweger spectrum disorders (ZS). Also called: Zellweger Spectrum Disorder; Zellweger Spectrum; Zellweger Spectrum Disorder (ZSD); Zellweger syndrome. Identifiers: Orphanet 912, MedGen C0043459, MONDO:0019609.

Allele frequency attached by ClinVar (database versions not stated): TOPMed 0.00001; ExAC 0.00002; gnomAD 0.00002; 1000 Genomes Project 30x 0.00016; 1000 Genomes Project 0.00020.
gnomAD v4.1: 15 of 1,614,138 alleles (0.00093%); highest among the groups gnomAD compares: South Asian, 0.011%; no homozygotes.

Submissions (2):

Women's Health and Genetics/Laboratory Corporation of America, LabCorp
Classification: Uncertain significance. Last evaluated: 2025-03-19. Review status: criteria provided, single submitter. Criteria: LabCorp Variant Classification Summary - May 2015. Collection method: clinical testing. Allele origin: germline.
Comment: Variant summary: PEX1 c.920A>C (p.His307Pro) results in a non-conservative amino acid change in the encoded protein sequence. Four of five in-silico tools predict a benign effect of the variant on protein function. The variant allele was found at a frequency of 2.4e-05 in 251050 control chromosomes. The available data on variant occurrences in the general population are insufficient to allow any conclusion about variant significance. To our knowledge, no occurrence of c.920A>C in individuals affected with Heimler Syndrome 1 and no experimental evidence demonstrating its impact on protein function have been reported. ClinVar contains an entry for this variant (Variation ID: 1979990). Based on the evidence outlined above, the variant was classified as uncertain significance.

Labcorp Genetics (formerly Invitae), Labcorp
Classification: Uncertain significance for Zellweger spectrum disorders. Last evaluated: 2022-08-16. Review status: criteria provided, single submitter. Criteria: Invitae Variant Classification Sherloc (09022015). Collection method: clinical testing. Allele origin: germline.
Comment: This sequence change replaces histidine, which is basic and polar, with proline, which is neutral and non-polar, at codon 307 of the PEX1 protein (p.His307Pro). This variant is present in population databases (rs563671482, gnomAD 0.02%). This variant has not been reported in the literature in individuals affected with PEX1-related conditions. Advanced modeling of protein sequence and biophysical properties (such as structural, functional, and spatial information, amino acid conservation, physicochemical variation, residue mobility, and thermodynamic stability) performed at Invitae indicates that this missense variant is not expected to disrupt PEX1 protein function. In summary, the available evidence is currently insufficient to determine the role of this variant in disease. Therefore, it has been classified as a Variant of Uncertain Significance.